The following is an entry in ClinVar:

ClinVar aggregate classification (germline): Uncertain significance (1 of 4 stars; one submission).

Submission:

GeneDx
Classification: Uncertain significance. Last evaluated: 2019-10-04. Review status: criteria provided, single submitter. Criteria: GeneDx Variant Classification Process June 2021. Collection method: clinical testing. Allele origin: germline. Affected: yes.
Comment: Not observed in large population cohorts (Lek et al., 2016); The majority of missense variants in this gene are considered pathogenic (Stenson et al., 2014); In silico analysis, which includes protein predictors and evolutionary conservation, supports a deleterious effect; Has not been previously published as pathogenic or benign to our knowledge

NM_001101.5(ACTB):c.754A>G (p.Asn252Asp)

Gene: ACTB (actin beta; minus strand). Cytogenetic location: 7p22.1.
Variant type: single nucleotide variant.
Coding change: c.754A>G on transcript NM_001101.5 (MANE Select); coding-DNA position 754, A replaced by G.
Protein change: p.Asn252Asp; replaces asparagine 252 with aspartic acid.
Molecular consequence: missense variant.
Genome position (GRCh38, 1-based): chr7:5,528,329, T>C on the plus strand (A>G on the coding strand, the complement: ACTB is on the minus strand). VCF-style: chr7-5528329-T-C. GRCh37 (hg19) VCF-style: chr7-5567960-T-C.
Other names: short protein forms N252D.
Identifiers: ClinVar variation 1308773 (VCV001308773.2), dbSNP rs2128241265, ClinGen allele CA366701941.